The following is an entry in ClinVar:

ClinVar aggregate classification (germline): Uncertain significance (1 of 4 stars; one submission).

Conditions:
Catecholaminergic polymorphic ventricular tachycardia 1. Also called: RYR2-Related Catecholaminergic Polymorphic Ventricular Tachycardia; VENTRICULAR TACHYCARDIA, CATECHOLAMINERGIC POLYMORPHIC, 1, WITH OR WITHOUT ATRIAL DYSFUNCTION AND/OR DILATED CARDIOMYOPATHY; VENTRICULAR TACHYCARDIA, STRESS-INDUCED POLYMORPHIC 1. Identifiers: Orphanet 3286, MedGen C1631597, MONDO:0011484, OMIM 604772.

Submission:

Labcorp Genetics (formerly Invitae), Labcorp
Classification: Uncertain significance for Catecholaminergic polymorphic ventricular tachycardia 1. Last evaluated: 2019-09-09. Review status: criteria provided, single submitter. Criteria: Invitae Variant Classification Sherloc (09022015). Collection method: clinical testing. Allele origin: germline.
Comment: In summary, the available evidence is currently insufficient to determine the role of this variant in disease. Therefore, it has been classified as a Variant of Uncertain Significance. Algorithms developed to predict the effect of missense changes on protein structure and function (SIFT, PolyPhen-2, Align-GVGD) all suggest that this variant is likely to be disruptive, but these predictions have not been confirmed by published functional studies and their clinical significance is uncertain. This variant has not been reported in the literature in individuals with RYR2-related conditions. This variant is not present in population databases (ExAC no frequency). This sequence change replaces leucine with serine at codon 1904 of the RYR2 protein (p.Leu1904Ser). The leucine residue is highly conserved and there is a large physicochemical difference between leucine and serine.

NM_001035.3(RYR2):c.5711T>C (p.Leu1904Ser)

Gene: RYR2 (ryanodine receptor 2; plus strand). Cytogenetic location: 1q43.
Variant type: single nucleotide variant.
Coding change: c.5711T>C on transcript NM_001035.3 (MANE Select); coding-DNA position 5711, T replaced by C.
Protein change: p.Leu1904Ser; replaces leucine 1904 with serine.
Molecular consequence: missense variant.
Genome position (GRCh38, 1-based): chr1:237,614,839, T>C. VCF-style: chr1-237614839-T-C. GRCh37 (hg19) VCF-style: chr1-237778139-T-C.
Other names: short protein forms L1904S.
Identifiers: ClinVar variation 934815 (VCV000934815.11), dbSNP rs1678290289, ClinGen allele CA345406083.